The following is an entry in ClinVar:

ClinVar aggregate classification (germline): Uncertain significance (1 of 4 stars; one submission).

Conditions:
Hypertrophic cardiomyopathy. Also called: HYPERTROPHIC MYOCARDIOPATHY. Identifiers: Orphanet 217569, MedGen C0007194, MeSH D002312, MONDO:0005045, HP:0001639.

Allele frequency attached by ClinVar (database versions not stated): gnomAD exomes 0.00001.

Submission:

Labcorp Genetics (formerly Invitae), Labcorp
Classification: Uncertain significance for Hypertrophic cardiomyopathy. Last evaluated: 2023-12-30. Review status: criteria provided, single submitter. Criteria: Invitae Variant Classification Sherloc (09022015). Collection method: clinical testing. Allele origin: germline.
Comment: This sequence change replaces alanine, which is neutral and non-polar, with valine, which is neutral and non-polar, at codon 1673 of the MYOM1 protein (p.Ala1673Val). This variant is not present in population databases (gnomAD no frequency). This variant has not been reported in the literature in individuals affected with MYOM1-related conditions. Algorithms developed to predict the effect of missense changes on protein structure and function output the following: SIFT: "Not Available"; PolyPhen-2: "Benign"; Align-GVGD: "Not Available". The valine amino acid residue is found in multiple mammalian species, which suggests that this missense change does not adversely affect protein function. In summary, the available evidence is currently insufficient to determine the role of this variant in disease. Therefore, it has been classified as a Variant of Uncertain Significance.

NM_003803.4(MYOM1):c.5018C>T (p.Ala1673Val)

Gene: MYOM1 (myomesin 1; minus strand). Cytogenetic location: 18p11.31.
Variant type: single nucleotide variant.
Coding change: c.5018C>T on transcript NM_003803.4 (MANE Select); coding-DNA position 5018, C replaced by T.
Protein change: p.Ala1673Val; replaces alanine 1673 with valine.
Molecular consequence: missense variant.
Genome position (GRCh38, 1-based): chr18:3,067,302, G>A on the plus strand (C>T on the coding strand, the complement: MYOM1 is on the minus strand). VCF-style: chr18-3067302-G-A. GRCh37 (hg19) VCF-style: chr18-3067300-G-A.
Other names: c.4730C>T, p.Ala1577Val (NM_019856.2); short protein forms A1673V, A1577V.
Identifiers: ClinVar variation 2999434 (VCV002999434.3), dbSNP rs1284840564, ClinGen allele CA401704742.
Genomic context (GRCh38, chr18:3,067,302, plus strand): 5'-GGCTCTCCTCGCACCTCCGGTCACTTGGCCTTCTTGCCACCTTTCAGGGACTCCAAGGCG[G>A]CCATCCTCGCCTCCTCCTCTGGGATGAACACGCTGACGGTGAAGTCGCTGGTCTCCGAGC-3'
Protein context (NP_003794.3, residues 1663-1683): VFIPEEEARM[Ala1673Val]ALESLKGGKK